The following is an entry in ClinVar:

ClinVar aggregate classification (germline): Likely benign. Review status: criteria provided, multiple submitters, no conflicts (2 of 4 stars). 4 submissions from 4 submitters: Likely benign (3). 1 of the submissions does not count toward it. Last evaluated 2025-06-24.

Conditions:
SCN2A-related disorder. Also called: SCN2A-related disorders; SCN2A-related condition. Identifiers: MedGen CN382226, MONDO:1060245.
Developmental and epileptic encephalopathy, 11 (DEE11). Also called: Early infantile epileptic encephalopathy 11. Identifiers: Orphanet 1934, MedGen C3150987, MONDO:0013388, OMIM 613721.
Seizures, benign familial infantile, 3 (BFIS3). Also called: Familial neonatal seizures; CONVULSIONS, BENIGN FAMILIAL INFANTILE, 3. Identifiers: Orphanet 140927, Orphanet 306, MedGen C1843140, MONDO:0011904, OMIM 607745.

Allele frequency attached by ClinVar (database versions not stated): gnomAD 0.00005; ExAC 0.00006; gnomAD exomes 0.00007 and 0.00002; TOPMed 0.00004.
gnomAD v4.1: 44 of 1,613,938 alleles (0.0027%); highest among the groups gnomAD compares: Middle Eastern, 0.049%; no homozygotes.

Submissions (4):

Labcorp Genetics (formerly Invitae), Labcorp
Classification: Likely benign for Seizures, benign familial infantile, 3; Developmental and epileptic encephalopathy, 11. Last evaluated: 2025-06-24. Review status: criteria provided, single submitter. Criteria: Invitae Variant Classification Sherloc (09022015). Collection method: clinical testing. Allele origin: germline.

CeGaT Center for Human Genetics Tuebingen
Classification: Likely benign. Last evaluated: 2023-08-01. Review status: criteria provided, single submitter. Criteria: CeGaT Center For Human Genetics Tuebingen Variant Classification Criteria Version 2. Collection method: clinical testing. Allele origin: germline. Affected: yes. Observed: 1 variant allele.
Comment: SCN2A: BP4, BP7

Blueprint Genetics
Classification: Likely benign. Last evaluated: 2022-12-23. Review status: criteria provided, single submitter. Criteria: ACMG Guidelines, 2015. Collection method: clinical testing. Allele origin: germline.

PreventionGenetics, part of Exact Sciences
Classification: Likely benign for SCN2A-related condition. Last evaluated: 2019-11-26. Review status: no assertion criteria provided. Collection method: clinical testing. Allele origin: germline. Not counted in ClinVar's aggregate classification.
Comment: This variant is classified as likely benign based on ACMG/AMP sequence variant interpretation guidelines (Richards et al. 2015 PMID: 25741868, with internal and published modifications).

NM_001040142.2(SCN2A):c.2661A>G (p.Val887=)

Gene: SCN2A (sodium voltage-gated channel alpha subunit 2; plus strand). Cytogenetic location: 2q24.3.
Variant type: single nucleotide variant.
Coding change: c.2661A>G on transcript NM_001040142.2 (MANE Select); coding-DNA position 2661, A replaced by G.
Protein change: p.Val887=; no amino-acid change (valine 887 retained).
Molecular consequence: synonymous variant.
Genome position (GRCh38, 1-based): chr2:165,344,653, A>G. VCF-style: chr2-165344653-A-G. GRCh37 (hg19) VCF-style: chr2-166201163-A-G.
Other names: c.2661A>G, p.Val887= (NM_001040143.2, NM_001371246.1, NM_001371247.1 and 1 more transcripts).
Identifiers: ClinVar variation 464903 (VCV000464903.37), dbSNP rs749540280, ClinGen allele CA1940012.